The following is an entry in ClinVar:

NM_004364.5(CEBPA):c.69del (p.His24fs)

Gene: CEBPA (CCAAT enhancer binding protein alpha; minus strand). Cytogenetic location: 19q13.11.
Variant type: Deletion.
Coding change: c.69del on transcript NM_004364.5 (MANE Select); coding-DNA position 69, one base deleted (G; older notation c.69delG).
Protein change: p.His24fs; shifts the reading frame from histidine 24.
Molecular consequence: frameshift variant. On other transcripts: 5 prime UTR variant (1).
Genome position (GRCh38, 1-based): chr19:33,302,346, C deleted on the plus strand (G on the coding strand, the reverse complement: CEBPA is on the minus strand). VCF-style (leftmost placement, unchanged base first): chr19-33302345-GC-G. GRCh37 (hg19) VCF-style: chr19-33793251-GC-G.
Other names: c.-289del (NM_001285829.2); c.174del, p.His59fs (NM_001287424.2); c.27del, p.His10fs (NM_001287435.2); c.69delG (NM_004364.4); short protein forms H10fs, H59fs, H24fs.
Identifiers: ClinVar variation 1452838 (VCV001452838.7), dbSNP rs2145264731, ClinGen allele CA2573156222.

ClinVar aggregate classification (germline): Pathogenic/Likely pathogenic. Review status: criteria provided, multiple submitters, no conflicts (2 of 4 stars). 2 submissions from 2 submitters: Pathogenic (1); Likely pathogenic (1). Last evaluated 2025-04-22.

Conditions:
Acute myeloid leukemia (AML). Also called: Leukemia, acute myeloid, somatic; Leukemia, acute myelogenous, somatic; Acute myeloid leukemia, adult; AML adult; Acute non-lymphocytic leukemia; Acute granulocytic leukemia. Identifiers: Orphanet 519, MedGen C0023467, MeSH D015470, MONDO:0018874, OMIM 601626, HP:0004808. Disease mechanism: Constitutively activated FLT3.
CEBPA-related disorder. Also called: CEBPA-related condition.

Submissions (2):

PreventionGenetics, part of Exact Sciences
Classification: Likely pathogenic for CEBPA-related condition. Last evaluated: 2025-04-22. Review status: criteria provided, single submitter. Criteria: ACMG Guidelines, 2015. Collection method: clinical testing. Allele origin: germline.
Comment: The CEBPA c.69delG variant is predicted to result in a frameshift and premature protein termination (p.His24Thrfs*136). To our knowledge, this variant has not been reported as a germline variant in the literature. However, similar variants nearby (c.68del, c.68dup) have been reported to segregate with disease in family members with acute myeloid leukemia (referred to as 212delC, Smith et al. 2004. PubMed ID: 15575056; referred to as 217insC, Sellick et al. 2005. PubMed ID: 15902292). This variant has not been reported in a large population database (gnomAD), indicating it is rare. Frameshift variants in CEBPA are expected to be pathogenic. This variant is interpreted as likely pathogenic.

Labcorp Genetics (formerly Invitae), Labcorp
Classification: Pathogenic for Acute myeloid leukemia. Last evaluated: 2022-07-12. Review status: criteria provided, single submitter. Criteria: Invitae Variant Classification Sherloc (09022015). Collection method: clinical testing. Allele origin: germline.
Comment: For these reasons, this variant has been classified as Pathogenic. This variant disrupts the region of the CEBPA protein between codon 1 and 120. Other variants in this region have been observed in individuals with autosomal dominant CEBPA-related conditions (PMID: 11242107, 31867767, 32430494; Invitae), which suggests that this may be a clinically significant region of the protein. This variant disrupts the production of the full length isoform (p42) of the CEBPA protein, which results in the preferential usage of an alternate downstream in-frame methionine at codon 120. Translation starting from this methionine results in a 30 kDa N-terminal truncated isoform of CEBPA that lacks the TAD1 domain, and has been shown to abrogate CEBPA function by acting as a dominant-negative allele (PMID: 11242107, 19953636, 26162409). While functional studies have not been performed to directly test the effect of this variant on CEBPA protein function, this suggests that disruption of this region of the protein is causative of disease. ClinVar contains an entry for this variant (Variation ID: 1452838). This variant has not been reported in the literature in individuals affected with CEBPA-related conditions. This variant is not present in population databases (gnomAD no frequency). This sequence change creates a premature translational stop signal (p.His24Thrfs*136) in the CEBPA gene. While this is not anticipated to result in nonsense mediated decay, it is expected to disrupt the last 335 amino acid(s) of the CEBPA protein.

Literature cited by the submitters: PubMed 11242107 (cited by Labcorp Genetics (formerly Invitae), Labcorp); PubMed 31867767 (cited by Labcorp Genetics (formerly Invitae), Labcorp); PubMed 32430494 (cited by Labcorp Genetics (formerly Invitae), Labcorp); PubMed 19953636 (cited by Labcorp Genetics (formerly Invitae), Labcorp); PubMed 26162409 (cited by Labcorp Genetics (formerly Invitae), Labcorp).